The following is an entry in ClinVar:

NM_004260.4(RECQL4):c.2809C>G (p.Leu937Val)

Gene: RECQL4 (RecQ like helicase 4; minus strand). Cytogenetic location: 8q24.3.
Variant type: single nucleotide variant.
Coding change: c.2809C>G on transcript NM_004260.4 (MANE Select); coding-DNA position 2809, C replaced by G.
Protein change: p.Leu937Val; replaces leucine 937 with valine.
Molecular consequence: missense variant.
Genome position (GRCh38, 1-based): chr8:144,512,718, G>C on the plus strand (C>G on the coding strand, the complement: RECQL4 is on the minus strand). VCF-style: chr8-144512718-G-C. GRCh37 (hg19) VCF-style: chr8-145738101-G-C.
Other names: short protein forms L937V.
Identifiers: ClinVar variation 935059 (VCV000935059.6), dbSNP rs1827482477, ClinGen allele CA372674311.

ClinVar aggregate classification (germline): Uncertain significance (1 of 4 stars; one submission).

Conditions:
Baller-Gerold syndrome (BGS). Also called: CRANIOSYNOSTOSIS WITH RADIAL DEFECTS. Identifiers: Orphanet 1225, MedGen C0265308, MONDO:0009039, OMIM 218600.

gnomAD v4.1: 2 of 1,612,088 alleles (0.00012%); highest among the groups gnomAD compares: Non-Finnish European, 0.00017%; no homozygotes.

Submission:

Labcorp Genetics (formerly Invitae), Labcorp
Classification: Uncertain significance for Baller-Gerold syndrome. Last evaluated: 2024-10-22. Review status: criteria provided, single submitter. Criteria: Invitae Variant Classification Sherloc (09022015). Collection method: clinical testing. Allele origin: germline.
Comment: This sequence change replaces leucine with valine at codon 937 of the RECQL4 protein (p.Leu937Val). The leucine residue is highly conserved and there is a small physicochemical difference between leucine and valine. This variant is not present in population databases (gnomAD no frequency). This variant has not been reported in the literature in individuals affected with RECQL4-related conditions. ClinVar contains an entry for this variant (Variation ID: 935059). Invitae Evidence Modeling of protein sequence and biophysical properties (such as structural, functional, and spatial information, amino acid conservation, physicochemical variation, residue mobility, and thermodynamic stability) indicates that this missense variant is not expected to disrupt RECQL4 protein function with a negative predictive value of 80%. In summary, the available evidence is currently insufficient to determine the role of this variant in disease. Therefore, it has been classified as a Variant of Uncertain Significance.